The following is an entry in ClinVar:

ClinVar aggregate classification (germline): Uncertain significance (1 of 4 stars; one submission).

Conditions:
Menkes kinky-hair syndrome (MNK). Also called: Copper transport disease; Menkes Disease; Classic Menkes Disease. Identifiers: Orphanet 565, MedGen C0022716, MONDO:0010651, OMIM 309400.
Cutis laxa, X-linked (OHS). Also called: EDS IX; Occipital horn syndrome. Identifiers: Orphanet 198, MedGen C0268353, MONDO:0010572, OMIM 304150.
X-linked distal spinal muscular atrophy type 3. Also called: ATP7A-Related Distal Motor Neuropathy; SPINAL MUSCULAR ATROPHY, DISTAL, X-LINKED RECESSIVE; NEURONOPATHY, DISTAL HEREDITARY MOTOR, X-LINKED; NEUROPATHY, DISTAL HEREDITARY MOTOR, X-LINKED. Identifiers: Orphanet 139557, MedGen C1845359, MONDO:0010338, OMIM 300489.

gnomAD v4.1: 1 of 1,210,183 alleles (0.000083%); highest among the groups gnomAD compares: Admixed American, 0.0022%; no homozygotes.

Submission:

Labcorp Genetics (formerly Invitae), Labcorp
Classification: Uncertain significance for X-linked distal spinal muscular atrophy type 3; Cutis laxa, X-linked; Menkes kinky-hair syndrome. Last evaluated: 2023-08-27. Review status: criteria provided, single submitter. Criteria: Invitae Variant Classification Sherloc (09022015). Collection method: clinical testing. Allele origin: germline.
Comment: In summary, the available evidence is currently insufficient to determine the role of this variant in disease. Therefore, it has been classified as a Variant of Uncertain Significance. Advanced modeling of protein sequence and biophysical properties (such as structural, functional, and spatial information, amino acid conservation, physicochemical variation, residue mobility, and thermodynamic stability) performed at Invitae indicates that this missense variant is not expected to disrupt ATP7A protein function. This variant has not been reported in the literature in individuals affected with ATP7A-related conditions. This variant is present in population databases (no rsID available, gnomAD 0.004%). This sequence change replaces asparagine, which is neutral and polar, with lysine, which is basic and polar, at codon 602 of the ATP7A protein (p.Asn602Lys).

NM_000052.7(ATP7A):c.1806C>A (p.Asn602Lys)

Gene: ATP7A (ATPase copper transporting alpha; plus strand). Cytogenetic location: Xq21.1.
Variant type: single nucleotide variant.
Coding change: c.1806C>A on transcript NM_000052.7 (MANE Select); coding-DNA position 1806, C replaced by A.
Protein change: p.Asn602Lys; replaces asparagine 602 with lysine.
Molecular consequence: missense variant.
Genome position (GRCh38, 1-based): chrX:78,009,200, C>A. VCF-style: chrX-78009200-C-A. GRCh37 (hg19) VCF-style: chrX-77264697-C-A.
Other names: c.1806C>A, p.Asn602Lys (NM_001282224.2); short protein forms N602K.
Identifiers: ClinVar variation 2926677 (VCV002926677.3), dbSNP rs1557234099, ClinGen allele CA413597248.